The following is an entry in ClinVar:

NM_001854.4(COL11A1):c.898-228A>T

Gene: COL11A1 (collagen type XI alpha 1 chain; minus strand). Cytogenetic location: 1p21.1.
Variant type: single nucleotide variant.
Coding change: c.898-228A>T on transcript NM_001854.4 (MANE Select); 228 bases into the intron before coding-DNA position 898, A replaced by T.
Molecular consequence: intron variant. On other transcripts: nonsense (1).
Genome position (GRCh38, 1-based): chr1:103,025,841, T>A on the plus strand (A>T on the coding strand, the complement: COL11A1 is on the minus strand). VCF-style: chr1-103025841-T-A. GRCh37 (hg19) VCF-style: chr1-103491397-T-A.
Other names: c.892A>T, p.Lys298Ter (NM_080629.3); c.781-228A>T (NM_001190709.2); c.897+375A>T (NM_080630.4); short protein forms K298*.
Identifiers: ClinVar variation 3342843 (VCV003342843.1).

ClinVar aggregate classification (germline): Likely pathogenic (1 of 4 stars; one submission).

gnomAD v4.1: 5 of 1,613,634 alleles (0.00031%); highest among the groups gnomAD compares: Non-Finnish European, 0.00042%; no homozygotes.

Submission:

GeneDx
Classification: Likely pathogenic. Last evaluated: 2023-08-28. Review status: criteria provided, single submitter. Criteria: GeneDx Variant Classification Process June 2021. Collection method: clinical testing. Allele origin: germline. Affected: yes.
Comment: Nonsense variant predicted to result in protein truncation or nonsense mediated decay in a gene for which loss of function is a known mechanism of disease; Not observed at significant frequency in large population cohorts (gnomAD); Has not been previously published as pathogenic or benign to our knowledge; Reported using an alternate transcript of the gene; This variant is associated with the following publications: (PMID: 35487415)